The following is an entry in ClinVar:

ClinVar aggregate classification (germline): Uncertain significance (1 of 4 stars; one submission).

gnomAD v4.1: 1 of 1,603,590 alleles (0.000062%); highest among the groups gnomAD compares: Non-Finnish European, 0.000085%; no homozygotes.

Submission:

GeneDx
Classification: Uncertain significance. Last evaluated: 2025-06-29. Review status: criteria provided, single submitter. Criteria: GeneDx Variant Classification Process June 2021. Collection method: clinical testing. Allele origin: germline. Affected: yes.
Comment: Not observed at significant frequency in large population cohorts (gnomAD); In silico analysis supports that this missense variant has a deleterious effect on protein structure/function; Has not been previously published as pathogenic or benign to our knowledge

NM_003458.4(BSN):c.506T>C (p.Leu169Pro)

Gene: BSN (bassoon presynaptic cytomatrix protein; plus strand). Cytogenetic location: 3p21.31.
Variant type: single nucleotide variant.
Coding change: c.506T>C on transcript NM_003458.4 (MANE Select); coding-DNA position 506, T replaced by C.
Protein change: p.Leu169Pro; replaces leucine 169 with proline.
Molecular consequence: missense variant.
Genome position (GRCh38, 1-based): chr3:49,625,256, T>C. VCF-style: chr3-49625256-T-C. GRCh37 (hg19) VCF-style: chr3-49662689-T-C.
Other names: short protein forms L169P.
Identifiers: ClinVar variation 4540141 (VCV004540141.1).
Genomic context (GRCh38, chr3:49,625,256, plus strand): 5'-GCAGCACCCCCACATCACCCTACTCCGTCCCTCAGATCGCCCCCCTTCCCAGCAGCACGC[T>C]GTGTCCCATATGCAAGACTTCGGACCTCACGTCGACCCCCAGCCAGCCAAACTTCAACAC-3'
Protein context (NP_003449.2, residues 159-179): PQIAPLPSST[Leu169Pro]CPICKTSDLT